The following is an entry in ClinVar:

NM_001985.3(ETFB):c.498C>T (p.Ile166=)

Gene: ETFB (electron transfer flavoprotein subunit beta; minus strand). Cytogenetic location: 19q13.41.
Variant type: single nucleotide variant.
Coding change: c.498C>T on transcript NM_001985.3 (MANE Select); coding-DNA position 498, C replaced by T.
Protein change: p.Ile166=; no amino-acid change (isoleucine 166 retained).
Molecular consequence: synonymous variant.
Genome position (GRCh38, 1-based): chr19:51,346,999, G>A on the plus strand (C>T on the coding strand, the complement: ETFB is on the minus strand). VCF-style: chr19-51346999-G-A. GRCh37 (hg19) VCF-style: chr19-51850253-G-A.
Other names: c.771C>T, p.Ile257= (NM_001014763.1).
Identifiers: ClinVar variation 377833 (VCV000377833.12), dbSNP rs150636733, ClinGen allele CA9610731.
Genomic context (GRCh38, chr19:51,346,999, plus strand): 5'-CCTCAGGTCAGCTGTCACCACAGCTGGCAGCTTCAGGCGCAGGGTCTCCAGGCCCCCATC[G>A]ATCTCCCGCTCCACTTTCAACTTGTCCCCCTCCAGCGTCACCTGGGAGGCGAATGTGCCC-3'
Protein context (NP_001976.1, residues 156-176): EGDKLKVERE[Ile166=]DGGLETLRLK

ClinVar aggregate classification (germline): Likely benign. Review status: criteria provided, multiple submitters, no conflicts (2 of 4 stars). 3 submissions from 3 submitters: Likely benign (3). Last evaluated 2025-12-22.

Conditions:
Multiple acyl-CoA dehydrogenase deficiency (MADD). Also called: ETHYLMALONIC-ADIPICACIDURIA; GA II; Glutaric aciduria, type 2; Glutaric acidemia type II; GA 2; Glutaric Acidemia type 2. Identifiers: Orphanet 26791, MedGen C0268596, MONDO:0009282, OMIM 231680.

Allele frequency attached by ClinVar (database versions not stated): 1000 Genomes Project 30x 0.00016; ESP Exome Variant Server 0.00031; TOPMed 0.00042.
gnomAD v4.1: 119 of 1,612,574 alleles (0.0074%); highest among the groups gnomAD compares: African/African-American, 0.088%; no homozygotes.

Submissions (3):

Labcorp Genetics (formerly Invitae), Labcorp
Classification: Likely benign for Multiple acyl-CoA dehydrogenase deficiency. Last evaluated: 2025-12-22. Review status: criteria provided, single submitter. Criteria: Invitae Variant Classification Sherloc (09022015). Collection method: clinical testing. Allele origin: germline.

Blueprint Genetics
Classification: Likely benign. Last evaluated: 2023-11-07. Review status: criteria provided, single submitter. Criteria: ACMG Guidelines, 2015. Collection method: clinical testing. Allele origin: germline.

GeneDx
Classification: Likely benign. Last evaluated: 2016-12-30. Review status: criteria provided, single submitter. Criteria: GeneDx Variant Classification (06012015). Collection method: clinical testing. Allele origin: germline. Affected: yes.
Comment: This variant is considered likely benign or benign based on one or more of the following criteria: it is a conservative change, it occurs at a poorly conserved position in the protein, it is predicted to be benign by multiple in silico algorithms, and/or has population frequency not consistent with disease.